The following is an entry in ClinVar:

NM_001283009.2(RTEL1):c.2812C>T (p.Leu938Phe)

Genes: RTEL1 (regulator of telomere elongation helicase 1; plus strand), RTEL1-TNFRSF6B (RTEL1-TNFRSF6B readthrough (NMD candidate); plus strand). Cytogenetic location: 20q13.33.
Variant type: single nucleotide variant.
Coding change: c.2812C>T on transcript NM_001283009.2 (MANE Select); coding-DNA position 2812, C replaced by T.
Protein change: p.Leu938Phe; replaces leucine 938 with phenylalanine.
Molecular consequence: missense variant. On other transcripts: non-coding transcript variant (1).
Genome position (GRCh38, 1-based): chr20:63,692,964, C>T. VCF-style: chr20-63692964-C-T. GRCh37 (hg19) VCF-style: chr20-62324317-C-T.
Other names: c.2143C>T, p.Leu715Phe (NM_001283010.1); c.2812C>T, p.Leu938Phe (NM_016434.4); c.2884C>T, p.Leu962Phe (NM_032957.5); short protein forms L715F, L938F, L962F.
Identifiers: ClinVar variation 4790757 (VCV004790757.1).

ClinVar aggregate classification (germline): Uncertain significance (1 of 4 stars; one submission).

Conditions:
Dyskeratosis congenita, autosomal recessive 5 (DKCB5). Identifiers: MedGen C3554656, MONDO:0014076, OMIM 615190.
Pulmonary fibrosis and/or bone marrow failure, Telomere-related, 3. Also called: PULMONARY FIBROSIS AND/OR BONE MARROW FAILURE SYNDROME, TELOMERE-RELATED, 3. Identifiers: Orphanet 2032, MedGen C4225346, MONDO:0014613, OMIM 616373.

gnomAD v4.1: 1 of 1,612,662 alleles (0.000062%); highest among the groups gnomAD compares: East Asian, 0.0022%; no homozygotes.

Submission:

Labcorp Genetics (formerly Invitae), Labcorp
Classification: Uncertain significance for Dyskeratosis congenita, autosomal recessive 5; Pulmonary fibrosis and/or bone marrow failure, Telomere-related, 3. Last evaluated: 2025-11-22. Review status: criteria provided, single submitter. Criteria: Invitae Variant Classification Sherloc (09022015). Collection method: clinical testing. Allele origin: germline.
Comment: This sequence change replaces leucine, which is neutral and non-polar, with phenylalanine, which is neutral and non-polar, at codon 938 of the RTEL1 protein (p.Leu938Phe). This variant is present in population databases (rs763578494, gnomAD 0.006%). This variant has not been reported in the literature in individuals affected with RTEL1-related conditions. An algorithm developed to predict the effect of missense changes on protein structure and function (PolyPhen-2) suggests that this variant is likely to be tolerated. In summary, the available evidence is currently insufficient to determine the role of this variant in disease. Therefore, it has been classified as a Variant of Uncertain Significance.